The following is an entry in ClinVar:

ClinVar aggregate classification (germline): Uncertain significance (1 of 4 stars; one submission).

Submission:

Labcorp Genetics (formerly Invitae), Labcorp
Classification: Uncertain significance. Last evaluated: 2024-05-06. Review status: criteria provided, single submitter. Criteria: Invitae Variant Classification Sherloc (09022015). Collection method: clinical testing. Allele origin: germline.
Comment: This sequence change replaces glycine, which is neutral and non-polar, with glutamic acid, which is acidic and polar, at codon 1547 of the SZT2 protein (p.Gly1547Glu). This variant is not present in population databases (gnomAD no frequency). This variant has not been reported in the literature in individuals affected with SZT2-related conditions. ClinVar contains an entry for this variant (Variation ID: 2167158). Advanced modeling of protein sequence and biophysical properties (such as structural, functional, and spatial information, amino acid conservation, physicochemical variation, residue mobility, and thermodynamic stability) performed at Invitae indicates that this missense variant is not expected to disrupt SZT2 protein function with a negative predictive value of 80%. In summary, the available evidence is currently insufficient to determine the role of this variant in disease. Therefore, it has been classified as a Variant of Uncertain Significance.

NM_001365999.1(SZT2):c.4811G>A (p.Gly1604Glu)

Gene: SZT2 (SZT2 subunit of KICSTOR complex; plus strand). Cytogenetic location: 1p34.2.
Variant type: single nucleotide variant.
Coding change: c.4811G>A on transcript NM_001365999.1 (MANE Select); coding-DNA position 4811, G replaced by A.
Protein change: p.Gly1604Glu; replaces glycine 1604 with glutamic acid.
Molecular consequence: missense variant.
Genome position (GRCh38, 1-based): chr1:43,430,985, G>A. VCF-style: chr1-43430985-G-A. GRCh37 (hg19) VCF-style: chr1-43896656-G-A.
Other names: c.4640G>A, p.Gly1547Glu (NM_015284.4); short protein forms G1547E, G1604E.
Identifiers: ClinVar variation 2167158 (VCV002167158.4), dbSNP rs2545827908, ClinGen allele CA340022779.